The following is an entry in ClinVar:

ClinVar aggregate classification (germline): Uncertain significance (1 of 4 stars; one submission).

Conditions:
Hereditary cancer-predisposing syndrome. Also called: Neoplastic Syndromes, Hereditary; Tumor predisposition; Hereditary neoplastic syndrome; Hereditary Cancer Syndrome. Identifiers: Orphanet 140162, MedGen C0027672, MeSH D009386, MONDO:0015356.

gnomAD v4.1: 1 of 1,614,060 alleles (0.000062%); highest among the groups gnomAD compares: Non-Finnish European, 0.000085%; no homozygotes.

Submission:

Ambry Genetics
Classification: Uncertain significance for Hereditary cancer-predisposing syndrome. Last evaluated: 2026-07-07. Review status: criteria provided, single submitter. Criteria: Ambry Variant Classification Scheme 2023. Collection method: clinical testing. Allele origin: germline.
Comment: The p.Q498E variant (also known as c.1492C>G), located in coding exon 3 of the MET gene, results from a C to G substitution at nucleotide position 1492. The glutamine at codon 498 is replaced by glutamic acid, an amino acid with highly similar properties. This amino acid position is conserved. In addition, this alteration is predicted to be tolerated by in silico analysis. Based on the available evidence, the clinical significance of this variant remains unclear.

NM_000245.4(MET):c.1492C>G (p.Gln498Glu)

Gene: MET (MET proto-oncogene, receptor tyrosine kinase; plus strand). Cytogenetic location: 7q31.2.
Variant type: single nucleotide variant.
Coding change: c.1492C>G on transcript NM_000245.4 (MANE Select); coding-DNA position 1492, C replaced by G.
Protein change: p.Gln498Glu; replaces glutamine 498 with glutamic acid.
Molecular consequence: missense variant.
Genome position (GRCh38, 1-based): chr7:116,740,049, C>G. VCF-style: chr7-116740049-C-G. GRCh37 (hg19) VCF-style: chr7-116380103-C-G.
Other names: c.1492C>G, p.Gln498Glu (NM_001127500.3, NM_001324401.3); c.202C>G, p.Gln68Glu (NM_001324402.2); short protein forms Q498E, Q68E.
Identifiers: ClinVar variation 5024376 (VCV005024376.1).